The following is an entry in ClinVar:

ClinVar aggregate classification (germline): Conflicting classifications of pathogenicity. Review status: criteria provided, conflicting classifications (1 of 4 stars). 2 submissions from 2 submitters: Uncertain significance (1); Likely benign (1). Last evaluated 2025-12-01.

Conditions:
Inborn genetic diseases. Identifiers: MedGen C0950123, MeSH D030342.

Allele frequency attached by ClinVar (database versions not stated): TOPMed 0.00081; ESP Exome Variant Server 0.00131.
gnomAD v4.1: 1,525 of 1,613,964 alleles (0.094%); highest among the groups gnomAD compares: Non-Finnish European, 0.12%; 1 homozygote.

Submissions (2):

CeGaT Center for Human Genetics Tuebingen
Classification: Likely benign. Last evaluated: 2025-12-01. Review status: criteria provided, single submitter. Criteria: CeGaT Center For Human Genetics Tuebingen Variant Classification Criteria Version 2. Collection method: clinical testing. Allele origin: germline. Affected: yes. Observed: 3 variant alleles.
Comment: FLG: BP4

Ambry Genetics
Classification: Uncertain significance for Inborn genetic diseases. Last evaluated: 2021-07-09. Review status: criteria provided, single submitter. Criteria: Ambry Variant Classification Scheme 2023. Collection method: clinical testing. Allele origin: germline.

NM_002016.2(FLG):c.11312G>T (p.Gly3771Val)

Genes: CCDST (cervical cancer associated DHX9 suppressive transcript; plus strand), FLG (filaggrin; minus strand). Cytogenetic location: 1q21.3.
Variant type: single nucleotide variant.
Coding change: c.11312G>T on transcript NM_002016.2 (MANE Select); coding-DNA position 11312, G replaced by T.
Protein change: p.Gly3771Val; replaces glycine 3771 with valine.
Molecular consequence: missense variant.
Genome position (GRCh38, 1-based): chr1:152,303,574, C>A on the plus strand (G>T on the coding strand, the complement: FLG is on the minus strand). VCF-style: chr1-152303574-C-A. GRCh37 (hg19) VCF-style: chr1-152276050-C-A.
Other names: short protein forms G3771V.
Identifiers: ClinVar variation 3025045 (VCV003025045.23), dbSNP rs146591738, ClinGen allele CA1102947.